The following is an entry in ClinVar:

ClinVar aggregate classification (germline): Uncertain significance. Review status: criteria provided, multiple submitters, no conflicts (2 of 4 stars). 2 submissions from 2 submitters: Uncertain significance (2). Last evaluated 2022-06-02.

Conditions:
Trichohepatoenteric syndrome 2 (THES2). Identifiers: Orphanet 84064, MedGen C3281289, MONDO:0013818, OMIM 614602.

Allele frequency attached by ClinVar (database versions not stated): gnomAD 0.00006 and 0.00007; gnomAD exomes 0.00009; ExAC 0.00011; TOPMed 0.00012; 1000 Genomes Project 30x 0.00016; 1000 Genomes Project 0.00020; ESP Exome Variant Server 0.00024.
gnomAD v4.1: 133 of 1,612,572 alleles (0.0082%); highest among the groups gnomAD compares: East Asian, 0.082%; 1 homozygote.

Submissions (2):

Labcorp Genetics (formerly Invitae), Labcorp
Classification: Uncertain significance. Last evaluated: 2022-06-02. Review status: criteria provided, single submitter. Criteria: Invitae Variant Classification Sherloc (09022015). Collection method: clinical testing. Allele origin: germline.
Comment: This sequence change replaces asparagine, which is neutral and polar, with serine, which is neutral and polar, at codon 459 of the SKIV2L protein (p.Asn459Ser). This variant is present in population databases (rs149518958, gnomAD 0.02%), including at least one homozygous and/or hemizygous individual. This variant has not been reported in the literature in individuals affected with SKIV2L-related conditions. ClinVar contains an entry for this variant (Variation ID: 907349). Algorithms developed to predict the effect of missense changes on protein structure and function are either unavailable or do not agree on the potential impact of this missense change (SIFT: "Deleterious"; PolyPhen-2: "Probably Damaging"; Align-GVGD: "Class C0"). Algorithms developed to predict the effect of sequence changes on RNA splicing suggest that this variant may create or strengthen a splice site. In summary, the available evidence is currently insufficient to determine the role of this variant in disease. Therefore, it has been classified as a Variant of Uncertain Significance.

Illumina Laboratory Services, Illumina
Classification: Uncertain significance for Trichohepatoenteric syndrome 2. Last evaluated: 2018-01-13. Review status: criteria provided, single submitter. Criteria: ICSL Variant Classification Criteria 13 December 2019. Collection method: clinical testing. Allele origin: germline.

NM_006929.5(SKIC2):c.1376A>G (p.Asn459Ser)

Gene: SKIC2 (SKI2 subunit of superkiller complex; plus strand). Cytogenetic location: 6p21.33.
Variant type: single nucleotide variant.
Coding change: c.1376A>G on transcript NM_006929.5 (MANE Select); coding-DNA position 1376, A replaced by G.
Protein change: p.Asn459Ser; replaces asparagine 459 with serine.
Molecular consequence: missense variant.
Genome position (GRCh38, 1-based): chr6:31,963,064, A>G. VCF-style: chr6-31963064-A-G. GRCh37 (hg19) VCF-style: chr6-31930841-A-G.
Other names: short protein forms N459S.
Identifiers: ClinVar variation 907349 (VCV000907349.6), dbSNP rs149518958, ClinGen allele CA3729451.